The following is an entry in ClinVar:

NM_001184880.2(PCDH19):c.747A>C (p.Glu249Asp)

Gene: PCDH19 (protocadherin 19; minus strand). Cytogenetic location: Xq22.1.
Variant type: single nucleotide variant.
Coding change: c.747A>C on transcript NM_001184880.2 (MANE Select); coding-DNA position 747, A replaced by C.
Protein change: p.Glu249Asp; replaces glutamic acid 249 with aspartic acid.
Molecular consequence: missense variant.
Genome position (GRCh38, 1-based): chrX:100,407,851, T>G on the plus strand (A>C on the coding strand, the complement: PCDH19 is on the minus strand). VCF-style: chrX-100407851-T-G. GRCh37 (hg19) VCF-style: chrX-99662849-T-G.
Other names: c.747A>C, p.Glu249Asp (NM_001105243.2, NM_020766.3); short protein forms E249D.
Identifiers: ClinVar variation 1523855 (VCV001523855.6), dbSNP rs2147540748, ClinGen allele CA414008346.

ClinVar aggregate classification (germline): Likely pathogenic (1 of 4 stars; one submission).

Conditions:
Developmental and epileptic encephalopathy, 9 (DEE9). Also called: PCDH19-Related X-Linked Female-Limited Epilepsy with Mental Retardation; Early infantile epileptic encephalopathy 9; EPILEPSY, FEMALE-RESTRICTED, WITH MENTAL RETARDATION; JUBERG-HELLMAN SYNDROME. Identifiers: Orphanet 101039, Orphanet 2076, MedGen C1848137, MONDO:0010246, OMIM 300088. Disease mechanism: loss of function.

Submission:

Labcorp Genetics (formerly Invitae), Labcorp
Classification: Likely pathogenic for Developmental and epileptic encephalopathy, 9. Last evaluated: 2022-09-13. Review status: criteria provided, single submitter. Criteria: Invitae Variant Classification Sherloc (09022015). Collection method: clinical testing. Allele origin: germline.
Comment: Advanced modeling of protein sequence and biophysical properties (such as structural, functional, and spatial information, amino acid conservation, physicochemical variation, residue mobility, and thermodynamic stability) performed at Invitae indicates that this missense variant is expected to disrupt PCDH19 protein function. In summary, the currently available evidence indicates that the variant is pathogenic, but additional data are needed to prove that conclusively. Therefore, this variant has been classified as Likely Pathogenic. This variant disrupts the p.Glu249 amino acid residue in PCDH19. Other variant(s) that disrupt this residue have been determined to be pathogenic (PMID: 22504056, 29933521; Invitae). This suggests that this residue is clinically significant, and that variants that disrupt this residue are likely to be disease-causing. ClinVar contains an entry for this variant (Variation ID: 1523855). This missense change has been observed in individual(s) with clinical features of PCDH19-related conditions (PMID: 21053371). This variant is not present in population databases (gnomAD no frequency). This sequence change replaces glutamic acid, which is acidic and polar, with aspartic acid, which is acidic and polar, at codon 249 of the PCDH19 protein (p.Glu249Asp).

Literature cited by the submitters: PubMed 22504056; PubMed 29933521; PubMed 21053371.